The following is an entry in ClinVar:

NM_000321.3(RB1):c.2490-1G>C

Gene: RB1 (RB transcriptional corepressor 1; plus strand). Cytogenetic location: 13q14.2.
Variant type: single nucleotide variant.
Coding change: c.2490-1G>C on transcript NM_000321.3 (MANE Select); the canonical splice acceptor site of the intron before coding-DNA position 2490, G replaced by C.
Molecular consequence: splice acceptor variant.
Genome position (GRCh38, 1-based): chr13:48,473,359, G>C. VCF-style: chr13-48473359-G-C. GRCh37 (hg19) VCF-style: chr13-49047495-G-C.
Other names: c.2490-1G>C (NM_001407165.1).
Identifiers: ClinVar variation 2855410 (VCV002855410.3), dbSNP rs587778838, ClinGen allele CA388168100.

ClinVar aggregate classification (germline): Likely pathogenic (1 of 4 stars; one submission).

Conditions:
Retinoblastoma (RB1). Also called: RETINOBLASTOMA, SOMATIC. Identifiers: Orphanet 790, MedGen C0035335, MeSH D012175, MONDO:0008380, OMIM 180200, HP:0009919. Disease mechanism: loss of function. Inheritance: Both sporadic and heritable forms are tested..

Submission:

Labcorp Genetics (formerly Invitae), Labcorp
Classification: Likely pathogenic for Retinoblastoma. Last evaluated: 2023-04-12. Review status: criteria provided, single submitter. Criteria: Invitae Variant Classification Sherloc (09022015). Collection method: clinical testing. Allele origin: germline.
Comment: In summary, the currently available evidence indicates that the variant is pathogenic, but additional data are needed to prove that conclusively. Therefore, this variant has been classified as Likely Pathogenic. Algorithms developed to predict the effect of sequence changes on RNA splicing suggest that this variant may disrupt the consensus splice site. Disruption of this splice site has been observed in individual(s) with retinoblastoma (PMID: 24225018, 24688104). This variant is not present in population databases (gnomAD no frequency). This sequence change affects an acceptor splice site in intron 23 of the RB1 gene. It is expected to disrupt RNA splicing. Variants that disrupt the donor or acceptor splice site typically lead to a loss of protein function (PMID: 16199547), and loss-of-function variants in RB1 are known to be pathogenic (PMID: 17096365).

Literature cited by the submitters: PubMed 24225018; PubMed 24688104; PubMed 16199547; PubMed 17096365.